The following is an entry in ClinVar:

ClinVar aggregate classification (germline): Uncertain significance (1 of 4 stars; one submission).

Conditions:
Combined immunodeficiency with skin granulomas. Identifiers: Orphanet 157949, MedGen C2673536, MONDO:0009306, OMIM 233650.
Severe combined immunodeficiency, autosomal recessive, T cell-negative, B cell-negative, NK cell-positive. Also called: Severe combined immunodeficiency due to complete RAG1/2 deficiency; SCID, T CELL-NEGATIVE, B CELL-NEGATIVE, NK CELL-POSITIVE; SCID, AR, T-cell negative, B-cell negative, NK cell-positive. Identifiers: Orphanet 331206, MedGen C1832322, MONDO:0011086, OMIM 601457.

Submission:

Labcorp Genetics (formerly Invitae), Labcorp
Classification: Uncertain significance for Combined immunodeficiency with skin granulomas; Severe combined immunodeficiency, autosomal recessive, T cell-negative, B cell-negative, NK cell-positive. Last evaluated: 2025-05-07. Review status: criteria provided, single submitter. Criteria: Invitae Variant Classification Sherloc (09022015). Collection method: clinical testing. Allele origin: germline.
Comment: This sequence change replaces asparagine, which is neutral and polar, with serine, which is neutral and polar, at codon 853 of the RAG1 protein (p.Asn853Ser). This variant is not present in population databases (gnomAD no frequency). This variant has not been reported in the literature in individuals affected with RAG1-related conditions. Invitae Evidence Modeling of protein sequence and biophysical properties (such as structural, functional, and spatial information, amino acid conservation, physicochemical variation, residue mobility, and thermodynamic stability) indicates that this missense variant is not expected to disrupt RAG1 protein function with a negative predictive value of 80%. In summary, the available evidence is currently insufficient to determine the role of this variant in disease. Therefore, it has been classified as a Variant of Uncertain Significance.

NM_000448.3(RAG1):c.2558A>G (p.Asn853Ser)

Gene: RAG1 (recombination activating 1; plus strand). Cytogenetic location: 11p12.
Variant type: single nucleotide variant.
Coding change: c.2558A>G on transcript NM_000448.3 (MANE Select); coding-DNA position 2558, A replaced by G.
Protein change: p.Asn853Ser; replaces asparagine 853 with serine.
Molecular consequence: missense variant.
Genome position (GRCh38, 1-based): chr11:36,575,862, A>G. VCF-style: chr11-36575862-A-G. GRCh37 (hg19) VCF-style: chr11-36597412-A-G.
Other names: c.2558A>G, p.Asn853Ser (NM_001377277.1, NM_001377278.1, NM_001377279.1 and 3 more transcripts); short protein forms N853S.
Identifiers: ClinVar variation 4783126 (VCV004783126.1).